The following is an entry in ClinVar:

NC_000019.10:g.47273406G>A

Genes: CCDC9 (coiled-coil domain containing 9; plus strand), LOC130064806 (ATAC-STARR-seq lymphoblastoid silent region 10850; plus strand). Cytogenetic location: 19q13.32.
Variant type: single nucleotide variant.
Genome position: GRCh38 VCF-style: chr19-47273406-G-A. GRCh37 (hg19) VCF-style: chr19-47776663-G-A.
Identifiers: ClinVar variation 2650146 (VCV002650146.24), dbSNP rs2514857466, ClinGen allele CA2695201355.

ClinVar aggregate classification (germline): Likely benign (1 of 4 stars; one submission).

Submission:

CeGaT Center for Human Genetics Tuebingen
Classification: Likely benign. Last evaluated: 2022-06-01. Review status: criteria provided, single submitter. Criteria: CeGaT Center For Human Genetics Tuebingen Variant Classification Criteria Version 2. Collection method: clinical testing. Allele origin: germline. Affected: yes. Observed: 1 variant allele.
Comment: CCDC9: PM2:Supporting, BP4, BP7